The following is an entry in ClinVar:

NM_001364171.2(ODAD1):c.1514C>T (p.Pro505Leu)

Gene: ODAD1 (outer dynein arm docking complex subunit 1; minus strand). Cytogenetic location: 19q13.33.
Variant type: single nucleotide variant.
Coding change: c.1514C>T on transcript NM_001364171.2 (MANE Select); coding-DNA position 1514, C replaced by T.
Protein change: p.Pro505Leu; replaces proline 505 with leucine.
Molecular consequence: missense variant.
Genome position (GRCh38, 1-based): chr19:48,297,657, G>A on the plus strand (C>T on the coding strand, the complement: ODAD1 is on the minus strand). VCF-style: chr19-48297657-G-A. GRCh37 (hg19) VCF-style: chr19-48800914-G-A.
Other names: c.1403C>T, p.Pro468Leu (NM_144577.4); short protein forms P468L, P505L.
Identifiers: ClinVar variation 262489 (VCV000262489.21), dbSNP rs35461177, ClinGen allele CA9548656.

ClinVar aggregate classification (germline): Benign/Likely benign. Review status: criteria provided, multiple submitters, no conflicts (2 of 4 stars). 8 submissions from 8 submitters: Benign (7); Likely benign (1). Last evaluated 2026-02-04.

Conditions:
Primary ciliary dyskinesia. Also called: Ciliary dyskinesia. Identifiers: Orphanet 244, MedGen C0008780, MONDO:0016575, HP:0012265.

Allele frequency attached by ClinVar (database versions not stated): 1000 Genomes Project 0.16753; 1000 Genomes Project 30x 0.17099; TOPMed 0.21897; gnomAD 0.22486 and 0.22721; ESP Exome Variant Server 0.23235; gnomAD exomes 0.23486; ExAC 0.28868.

Submissions (8):

Labcorp Genetics (formerly Invitae), Labcorp
Classification: Benign for Primary ciliary dyskinesia. Last evaluated: 2026-02-04. Review status: criteria provided, single submitter. Criteria: Invitae Variant Classification Sherloc (09022015). Collection method: clinical testing. Allele origin: germline.

Blueprint Genetics
Classification: Likely benign. Last evaluated: 2024-11-28. Review status: criteria provided, single submitter. Criteria: ACMG Guidelines, 2015. Collection method: clinical testing. Allele origin: germline.

Mayo Clinic Laboratories, Mayo Clinic
Classification: Benign. Last evaluated: 2022-04-26. Review status: criteria provided, single submitter. Criteria: ACMG Guidelines, 2015. Collection method: clinical testing. Allele origin: germline. Observed: 102 variant alleles.

GeneDx
Classification: Benign. Last evaluated: 2018-11-10. Review status: criteria provided, single submitter. Criteria: GeneDx Variant Classification Process June 2021. Collection method: clinical testing. Allele origin: germline. Affected: yes.

Ambry Genetics
Classification: Benign for Primary ciliary dyskinesia. Last evaluated: 2016-07-07. Review status: criteria provided, single submitter. Criteria: Ambry Variant Classification Scheme 2023. Collection method: clinical testing. Allele origin: germline.

Laboratory for Molecular Medicine, Mass General Brigham Personalized Medicine
Classification: Benign. Last evaluated: 2016-03-29. Review status: criteria provided, single submitter. Criteria: LMM Criteria. Collection method: clinical testing. Allele origin: germline.
Comment: Variant identified in a genome or exome case(s) and assessed due to predicted null impact of the variant or pathogenic assertions in the literature or databases. Disclaimer: This variant has not undergone full assessment. The following are preliminary notes: Frequency

Breakthrough Genomics
Classification: Benign. Review status: criteria provided, single submitter. Criteria: ACMG Guidelines, 2015. Collection method: not provided. Allele origin: germline. Inheritance: Autosomal recessive inheritance. Affected: yes.

PreventionGenetics, part of Exact Sciences
Classification: Benign. Review status: criteria provided, single submitter. Criteria: ACMG Guidelines, 2015. Collection method: clinical testing. Allele origin: germline.